The following is an entry in ClinVar:

NM_001386393.1(PANK2):c.*218A>G

Gene: PANK2 (pantothenate kinase 2; plus strand). Cytogenetic location: 20p13.
Variant type: single nucleotide variant.
Coding change: c.*218A>G on transcript NM_001386393.1 (MANE Select); 218 bases downstream of the stop codon, A replaced by G.
Molecular consequence: 3 prime UTR variant. On other transcripts: non-coding transcript variant (1).
Genome position (GRCh38, 1-based): chr20:3,923,512, A>G. VCF-style: chr20-3923512-A-G. GRCh37 (hg19) VCF-style: chr20-3904159-A-G.
Other names: c.*218A>G (NM_001324191.2, NM_001324193.2, NM_024960.6 and 2 more transcripts).
Identifiers: ClinVar variation 338367 (VCV000338367.8), dbSNP rs71647860, ClinGen allele CA10643834.
Genomic context (GRCh38, chr20:3,923,512, plus strand): 5'-TTCAGTCTAAATTAGCAACCAGGAAGGAAAAATATATTAAAAACAACAAAAAAGTGGCAC[A>G]TGTCCAGGCAGTGTGAGGATTTGCTGTATATAAGTTGCCTGCTTTGTATTTTTGAAATCT-3'

ClinVar aggregate classification (germline): Benign/Likely benign. Review status: criteria provided, multiple submitters, no conflicts (2 of 4 stars). 2 submissions from 2 submitters: Benign (1); Likely benign (1). Last evaluated 2020-03-01.

Conditions:
Pigmentary pallidal degeneration (NBIA1). Also called: PKAN NEUROAXONAL DYSTROPHY, JUVENILE-ONSET; Pantothenate Kinase-Associated Neurodegeneration; Neuroaxonal dystrophy, late infantile; Hallervorden-Spatz disease; Neurodegeneration with brain iron accumulation 1; HARP SYNDROME. Identifiers: Orphanet 157850, MedGen C0018523, MONDO:0009319, OMIM 234200.

Allele frequency attached by ClinVar (database versions not stated): gnomAD exomes 0.00103; gnomAD 0.00876; TOPMed 0.01010; 1000 Genomes Project 0.01278; 1000 Genomes Project 30x 0.01296.
gnomAD v4.1: 1,783 of 593,378 alleles (0.3%); highest among the groups gnomAD compares: African/African-American, 3%; 31 homozygotes.

Submissions (2):

GeneDx
Classification: Likely benign. Last evaluated: 2020-03-01. Review status: criteria provided, single submitter. Criteria: GeneDx Variant Classification Process June 2021. Collection method: clinical testing. Allele origin: germline. Affected: yes.

Illumina Laboratory Services, Illumina
Classification: Benign for Pigmentary pallidal degeneration. Last evaluated: 2018-01-12. Review status: criteria provided, single submitter. Criteria: ICSL Variant Classification Criteria 13 December 2019. Collection method: clinical testing. Allele origin: germline.
Comment: This variant was observed in the ICSL laboratory as part of a predisposition screen in an ostensibly healthy population. It had not been previously curated by ICSL or reported in the Human Gene Mutation Database (HGMD: prior to June 1st, 2018), and was therefore a candidate for classification through an automated scoring system. Utilizing variant allele frequency, disease prevalence and penetrance estimates, and inheritance mode, an automated score was calculated to assess if this variant is too frequent to cause the disease. Based on the score and internal cut-off values, a variant classified as benign is not then subjected to further curation. The score for this variant resulted in a classification of benign for this disease.